The following is an entry in ClinVar:

ClinVar aggregate classification (germline): Uncertain significance (1 of 4 stars; one submission).

gnomAD v4.1: 13 of 1,614,072 alleles (0.00081%); highest among the groups gnomAD compares: Non-Finnish European, 0.0011%; no homozygotes.

Submission:

Labcorp Genetics (formerly Invitae), Labcorp
Classification: Uncertain significance. Last evaluated: 2025-02-23. Review status: criteria provided, single submitter. Criteria: Invitae Variant Classification Sherloc (09022015). Collection method: clinical testing. Allele origin: germline.
Comment: This sequence change replaces asparagine, which is neutral and polar, with aspartic acid, which is acidic and polar, at codon 2 of the CREB3L3 protein (p.Asn2Asp). This variant is present in population databases (rs772736795, gnomAD 0.003%). This variant has not been reported in the literature in individuals affected with CREB3L3-related conditions. An algorithm developed to predict the effect of missense changes on protein structure and function outputs the following: PolyPhen-2: "Benign". The aspartic acid amino acid residue is found in multiple mammalian species, which suggests that this missense change does not adversely affect protein function. In summary, the available evidence is currently insufficient to determine the role of this variant in disease. Therefore, it has been classified as a Variant of Uncertain Significance.

NM_032607.3(CREB3L3):c.4A>G (p.Asn2Asp)

Gene: CREB3L3 (cAMP responsive element binding protein 3 like 3; plus strand). Cytogenetic location: 19p13.3.
Variant type: single nucleotide variant.
Coding change: c.4A>G on transcript NM_032607.3 (MANE Select); coding-DNA position 4, A replaced by G.
Protein change: p.Asn2Asp; replaces asparagine 2 with aspartic acid.
Molecular consequence: missense variant.
Genome position (GRCh38, 1-based): chr19:4,153,751, A>G. VCF-style: chr19-4153751-A-G. GRCh37 (hg19) VCF-style: chr19-4153748-A-G.
Other names: c.4A>G, p.Asn2Asp (NM_001271995.2, NM_001271996.2, NM_001271997.2); short protein forms N2D.
Identifiers: ClinVar variation 4702483 (VCV004702483.1).